The following is an entry in ClinVar:

NM_000179.3(MSH6):c.2950A>C (p.Asn984His)

Gene: MSH6 (mutS homolog 6; plus strand). Cytogenetic location: 2p16.3.
Variant type: single nucleotide variant.
Coding change: c.2950A>C on transcript NM_000179.3 (MANE Select); coding-DNA position 2950, A replaced by C.
Protein change: p.Asn984His; replaces asparagine 984 with histidine.
Molecular consequence: missense variant.
Genome position (GRCh38, 1-based): chr2:47,800,933, A>C. VCF-style: chr2-47800933-A-C. GRCh37 (hg19) VCF-style: chr2-48028072-A-C.
Other names: c.2560A>C, p.Asn854His (NM_001281492.2); c.2044A>C, p.Asn682His (NM_001281493.2, NM_001281494.2); short protein forms N984H, N682H, N854H.
Identifiers: ClinVar variation 186492 (VCV000186492.65), dbSNP rs146359682, ClinGen allele CA011176.

ClinVar aggregate classification (germline): Conflicting classifications of pathogenicity. Review status: criteria provided, conflicting classifications (1 of 4 stars). 16 submissions from 16 submitters: Uncertain significance (14); Likely benign (1). 1 of the submissions does not count toward it. Last evaluated 2026-01-06.

Conditions:
Hereditary nonpolyposis colorectal neoplasms. Identifiers: MedGen C0009405, MeSH D003123.
Hereditary cancer-predisposing syndrome. Also called: Tumor predisposition; Neoplastic Syndromes, Hereditary; Hereditary Cancer Syndrome; Hereditary neoplastic syndrome. Identifiers: Orphanet 140162, MedGen C0027672, MeSH D009386, MONDO:0015356.
Lynch syndrome. Identifiers: Orphanet 144, MedGen C4552100, MONDO:0005835. Disease mechanism: loss of function.
Lynch syndrome 5 (LYNCH5). Also called: Hereditary non-polyposis colorectal cancer, type 5; Colorectal cancer, hereditary nonpolyposis, type 5. Identifiers: Orphanet 144, MedGen C1833477, MONDO:0013710, OMIM 614350. Disease mechanism: loss of function.
Endometrial carcinoma. Also called: Endometrial carcinoma, somatic. Identifiers: MedGen C0476089, MONDO:0002447, OMIM 608089, HP:0012114.

Allele frequency attached by ClinVar (database versions not stated): ESP Exome Variant Server 0.00008; 1000 Genomes Project 30x 0.00016; 1000 Genomes Project 0.00020; gnomAD exomes 0.00002; ExAC 0.00004; TOPMed 0.00004.
gnomAD v4.1: 14 of 1,577,920 alleles (0.00089%); highest among the groups gnomAD compares: Middle Eastern, 0.034%; no homozygotes.

Submissions (16):

Labcorp Genetics (formerly Invitae), Labcorp
Classification: Likely benign for Hereditary nonpolyposis colorectal neoplasms. Last evaluated: 2026-01-06. Review status: criteria provided, single submitter. Criteria: Invitae Variant Classification Sherloc (09022015). Collection method: clinical testing. Allele origin: germline.

Color Diagnostics, LLC DBA Color Health
Classification: Uncertain significance for Hereditary cancer-predisposing syndrome. Last evaluated: 2025-02-03. Review status: criteria provided, single submitter. Criteria: ACMG Guidelines, 2015. Collection method: clinical testing. Allele origin: germline.
Comment: This missense variant replaces asparagine with histidine at codon 984 of the MSH6 protein. Computational prediction suggests that this variant may not impact protein structure and function (internally defined REVEL score threshold <= 0.5, PMID: 27666373). To our knowledge, functional studies have not been reported for this variant. This variant has been reported in an individual affected with thyroid cancer (PMID: 29684080). This variant has been identified in 14/1577920 chromosomes in the general population by the Genome Aggregation Database (gnomAD). The available evidence is insufficient to determine the role of this variant in disease conclusively. Therefore, this variant is classified as a Variant of Uncertain Significance.

CeGaT Center for Human Genetics Tuebingen
Classification: Uncertain significance. Last evaluated: 2024-06-01. Review status: criteria provided, single submitter. Criteria: CeGaT Center For Human Genetics Tuebingen Variant Classification Criteria Version 2. Collection method: clinical testing. Allele origin: germline. Affected: yes. Observed: 1 variant allele.
Comment: MSH6: PM2, BP1

Ambry Genetics
Classification: Uncertain significance for Hereditary cancer-predisposing syndrome. Last evaluated: 2024-05-13. Review status: criteria provided, single submitter. Criteria: Ambry Variant Classification Scheme 2023. Collection method: clinical testing. Allele origin: germline.
Comment: The p.N984H variant (also known as c.2950A>C), located in coding exon 4 of the MSH6 gene, results from an A to C substitution at nucleotide position 2950. The asparagine at codon 984 is replaced by histidine, an amino acid with similar properties. This amino acid position is poorly conserved in available vertebrate species. In addition, the in silico prediction for this alteration is inconclusive. Based on the available evidence, the clinical significance of this variant remains unclear.

Baylor Genetics
Classification: Uncertain significance for Endometrial carcinoma. Last evaluated: 2024-03-08. Review status: criteria provided, single submitter. Criteria: ACMG Guidelines, 2015. Collection method: clinical testing. Allele origin: unknown.

All of Us Research Program, National Institutes of Health
Classification: Uncertain significance for Lynch syndrome. Last evaluated: 2024-02-22. Review status: criteria provided, single submitter. Criteria: ACMG Guidelines, 2015. Collection method: clinical testing. Allele origin: germline. Inheritance: Autosomal dominant inheritance. Observed: 6 variant alleles, 6 heterozygotes.
Comment: This missense variant replaces asparagine with histidine at codon 984 of the MSH6 protein. Computational prediction suggests that this variant may not impact protein structure and function (internally defined REVEL score threshold <= 0.5, PMID: 27666373). To our knowledge, functional studies have not been reported for this variant. This variant has been reported in an individual affected with pancreatic cancer (PMID: 29684080). This variant has been identified in 5/223886 chromosomes in the general population by the Genome Aggregation Database (gnomAD). The available evidence is insufficient to determine the role of this variant in disease conclusively. Therefore, this variant is classified as a Variant of Uncertain Significance.

This study involves interpretation of variants in research participants for the purpose of population health screening. Participant phenotype was not available at the time of variant classification. Additional details can be found in publication PMID: 35346344, PMCID: PMC8962531

GeneDx
Classification: Uncertain significance. Last evaluated: 2024-01-03. Review status: criteria provided, single submitter. Criteria: GeneDx Variant Classification Process June 2021. Collection method: clinical testing. Allele origin: germline. Affected: yes.
Comment: Observed in individuals with endometrial or thyroid cancer (PMID: 37894291, 29684080); Not observed at significant frequency in large population cohorts (gnomAD); In silico analysis supports that this missense variant does not alter protein structure/function; This variant is associated with the following publications: (PMID: 23621914, 29684080, 17531815, 21120944, 37894291)

Blueprint Genetics
Classification: Uncertain significance. Last evaluated: 2023-12-28. Review status: criteria provided, single submitter. Criteria: ACMG Guidelines, 2015. Collection method: clinical testing. Allele origin: germline.

Myriad Genetics, Inc.
Classification: Uncertain significance for Lynch syndrome 5. Last evaluated: 2023-03-28. Review status: criteria provided, single submitter. Criteria: Myriad Autosomal Dominant, Autosomal Recessive and X-Linked Classification Criteria (2023). Collection method: clinical testing. Allele origin: unknown.
Comment: This variant is classified as a variant of uncertain significance as there is insufficient evidence to determine its impact on protein function and/or cancer risk.

Department of Pathology and Laboratory Medicine, Sinai Health System
Classification: Uncertain significance for Lynch syndrome. Last evaluated: 2021-07-27. Review status: criteria provided, single submitter. Criteria: ACMG Guidelines, 2015. Collection method: clinical testing. Allele origin: germline. Affected: yes.

Women's Health and Genetics/Laboratory Corporation of America, LabCorp
Classification: Uncertain significance. Last evaluated: 2021-04-04. Review status: criteria provided, single submitter. Criteria: LabCorp Variant Classification Summary - May 2015. Collection method: clinical testing. Allele origin: germline.
Comment: Variant summary: MSH6 c.2950A>C (p.Asn984His) results in a conservative amino acid change in the encoded protein sequence. Four of five in-silico tools predict a damaging effect of the variant on protein function. The variant allele was found at a frequency of 2.2e-05 in 223886 control chromosomes. The available data on variant occurrences in the general population are insufficient to allow any conclusion about variant significance. To our knowledge, no occurrence of c.2950A>C in individuals affected with Lynch Syndrome and no experimental evidence demonstrating its impact on protein function have been reported. Eight clinical diagnostic laboratories have submitted clinical-significance assessments for this variant to ClinVar after 2014 without evidence for independent evaluation. All laboratories classified the variant as uncertain significance. Based on the evidence outlined above, the variant was classified as uncertain significance.

ARUP Laboratories, Molecular Genetics and Genomics, ARUP Laboratories
Classification: Uncertain significance. Last evaluated: 2019-10-11. Review status: criteria provided, single submitter. Criteria: ARUP Molecular Germline Variant Investigation Process. Collection method: clinical testing. Allele origin: germline.
Comment: The MSH6 c.2950A>C; p.Asn984His variant (rs146359682) is reported in ClinVar (Variation ID: 186492). This variant is found in the general population with an overall allele frequency of 0.002% (5/223886 alleles) in the Genome Aggregation Database. The asparagine at codon 984 is weakly conserved, but computational analyses (SIFT, PolyPhen-2) predict that this variant may be deleterious. However, a different bioinformatics tool (CoDP) developed specifically to predict the impact of missense variants on MSH6, suggests that this variant does not impact MSH6 protein (Terui 2013). However, given the lack of clinical and functional data, the significance of the p.Asn984His variant is uncertain at this time. REFERENCES Terui H et al. CoDP: predicting the impact of unclassified genetic variants in MSH6 by the combination of different properties of the protein. J Biomed Sci. 2013 Apr 28;20:25.

Quest Diagnostics Nichols Institute San Juan Capistrano
Classification: Uncertain significance. Last evaluated: 2017-09-18. Review status: criteria provided, single submitter. Criteria: Quest Diagnostics criteria. Collection method: clinical testing. Allele origin: germline.

Illumina Laboratory Services, Illumina
Classification: Uncertain significance for Lynch syndrome 5. Last evaluated: 2017-04-27. Review status: criteria provided, single submitter. Criteria: ICSL Variant Classification Criteria 13 December 2019. Collection method: clinical testing. Allele origin: germline.
Comment: This variant was observed as part of a predisposition screen in an ostensibly healthy population. A literature search was performed for the gene, cDNA change, and amino acid change (where applicable). Publications were found based on this search. However, the evidence from the literature, in combination with allele frequency data from public databases where available, was not sufficient to rule this variant in or out of causing disease. Therefore, this variant is classified as a variant of unknown significance.

Genomic Diagnostic Laboratory, Division of Genomic Diagnostics, Children's Hospital of Philadelphia
Classification: Uncertain significance for Lynch syndrome. Last evaluated: 2015-10-29. Review status: criteria provided, single submitter. Criteria: DGD Variant Analysis Guidelines. Collection method: clinical testing. Allele origin: unknown.

Counsyl
Classification: Uncertain significance for Lynch syndrome 5. Last evaluated: 2017-09-25. Review status: no assertion criteria provided. Collection method: clinical testing. Allele origin: unknown. Not counted in ClinVar's aggregate classification.

Literature cited by the submitters: PubMed 29684080 (cited by 3 submitters); PubMed 37894291 (cited by Ambry Genetics); PubMed 23621914 (cited by Illumina Laboratory Services, Illumina).